The following is an entry in ClinVar:

NM_000540.3(RYR1):c.1108G>C (p.Val370Leu)

Gene: RYR1 (ryanodine receptor 1; plus strand). Cytogenetic location: 19q13.2.
Variant type: single nucleotide variant.
Coding change: c.1108G>C on transcript NM_000540.3 (MANE Select); coding-DNA position 1108, G replaced by C.
Protein change: p.Val370Leu; replaces valine 370 with leucine.
Molecular consequence: missense variant.
Genome position (GRCh38, 1-based): chr19:38,448,799, G>C. VCF-style: chr19-38448799-G-C. GRCh37 (hg19) VCF-style: chr19-38939439-G-C.
Other names: c.1108G>C, p.Val370Leu (NM_001042723.2); short protein forms V370L.
Identifiers: ClinVar variation 659533 (VCV000659533.9), dbSNP rs537344365, ClinGen allele CA055845.

ClinVar aggregate classification (germline): Conflicting classifications of pathogenicity. Review status: criteria provided, conflicting classifications (1 of 4 stars). 3 submissions from 3 submitters: Uncertain significance (2); Likely benign (1). Last evaluated 2025-09-05.

Conditions:
Malignant hyperthermia, susceptibility to, 1 (MHS1). Also called: RYR1-Related Malignant Hyperthermia Susceptibility; Anesthesia related hyperthermia; Malignant hyperpyrexia; Fulminating hyperpyrexia; Pharmacogenic myopathy; Malignant hyperthermia suceptibility 1. Identifiers: Orphanet 423, MedGen C2930980, MONDO:0007783, OMIM 145600.
RYR1-related disorder. Also called: RYR1-related disorders; RYR1-related condition. Identifiers: MedGen CN239331.

gnomAD v4.1: 55 of 1,613,804 alleles (0.0034%); highest among the groups gnomAD compares: South Asian, 0.059%; 1 homozygote.

Submissions (3):

Color Diagnostics, LLC DBA Color Health
Classification: Uncertain significance for Malignant hyperthermia, susceptibility to, 1. Last evaluated: 2025-09-05. Review status: criteria provided, single submitter. Criteria: ACMG Guidelines, 2015. Collection method: clinical testing. Allele origin: germline.
Comment: This missense variant replaces valine with leucine at codon 370 of the RYR1 protein. Computational prediction suggests that this variant may not impact protein structure and function. To our knowledge, functional studies have not been reported for this variant. This variant has not been reported in individuals affected with RYR1-related disorders in the literature. This variant has been identified in 24/250822 chromosomes in the general population by the Genome Aggregation Database (gnomAD). The available evidence is insufficient to determine the role of this variant in disease conclusively. Therefore, this variant is classified as a Variant of Uncertain Significance.

Labcorp Genetics (formerly Invitae), Labcorp
Classification: Likely benign for RYR1-related disorder. Last evaluated: 2025-02-20. Review status: criteria provided, single submitter. Criteria: Invitae Variant Classification Sherloc (09022015). Collection method: clinical testing. Allele origin: germline.

All of Us Research Program, National Institutes of Health
Classification: Uncertain significance for Malignant hyperthermia, susceptibility to, 1. Last evaluated: 2023-11-30. Review status: criteria provided, single submitter. Criteria: ACMG Guidelines, 2015. Collection method: clinical testing. Allele origin: germline. Inheritance: Autosomal dominant inheritance. Observed: 3 variant alleles, 3 heterozygotes.
Comment: This missense variant replaces valine with leucine at codon 370 of the RYR1 protein. Computational prediction suggests that this variant may not impact protein structure and function (internally defined REVEL score threshold <= 0.5, PMID: 27666373). To our knowledge, functional studies have not been reported for this variant. This variant has not been reported in individuals affected with RYR1-related disorders in the literature. This variant has been identified in 24/250822 chromosomes in the general population by the Genome Aggregation Database (gnomAD). The available evidence is insufficient to determine the role of this variant in disease conclusively. Therefore, this variant is classified as a Variant of Uncertain Significance.

This study involves interpretation of variants in research participants for the purpose of population health screening. Participant phenotype was not available at the time of variant classification. Additional details can be found in publication PMID: 35346344, PMCID: PMC8962531